The following is an entry in ClinVar:

NM_016604.4(KDM3B):c.486T>G (p.Asp162Glu)

Gene: KDM3B (lysine demethylase 3B; plus strand). Cytogenetic location: 5q31.2.
Variant type: single nucleotide variant.
Coding change: c.486T>G on transcript NM_016604.4 (MANE Select); coding-DNA position 486, T replaced by G.
Protein change: p.Asp162Glu; replaces aspartic acid 162 with glutamic acid.
Molecular consequence: missense variant.
Genome position (GRCh38, 1-based): chr5:138,377,731, T>G. VCF-style: chr5-138377731-T-G. GRCh37 (hg19) VCF-style: chr5-137713420-T-G.
Other names: short protein forms D162E.
Identifiers: ClinVar variation 2634040 (VCV002634040.1), dbSNP rs142142267, ClinGen allele CA3428720.
Genomic context (GRCh38, chr5:138,377,731, plus strand): 5'-TTGCTATTCATTTTAACATTCAGTTGTTTTCTTCTTTTATCTTTACCAGATGGGAACAGA[T>G]AGCCAAAACCAGATTCTTTTGGAACATGCTGCACTGAGAGAAACAGTTAATGCTTTGATC-3'
Protein context (NP_057688.3, residues 152-172): NGLHLFQMGT[Asp162Glu]SQNQILLEHA

ClinVar aggregate classification (germline): Uncertain significance (1 of 4 stars; one submission).

Conditions:
KDM3B-related disorder. Also called: KDM3B-related condition.

Allele frequency attached by ClinVar (database versions not stated): gnomAD 0.00001; gnomAD exomes 0.00001; TOPMed 0.00001; ExAC 0.00002; ESP Exome Variant Server 0.00008.
gnomAD v4.1: 15 of 1,612,746 alleles (0.00093%); highest among the groups gnomAD compares: African/African-American, 0.008%; no homozygotes.

Submission:

PreventionGenetics, part of Exact Sciences
Classification: Uncertain significance for KDM3B-related condition. Last evaluated: 2023-08-09. Review status: criteria provided, single submitter. Criteria: ACMG Guidelines, 2015. Collection method: clinical testing. Allele origin: germline.
Comment: The KDM3B c.486T>G variant is predicted to result in the amino acid substitution p.Asp162Glu. To our knowledge, this variant has not been reported in the literature. This variant is reported in 0.012% of alleles in individuals of African descent in gnomAD. Although we suspect that this variant may be benign, at this time, the clinical significance of this variant is uncertain due to the absence of conclusive functional and genetic evidence.